The following is an entry in ClinVar:

NM_000038.6(APC):c.461A>G (p.Glu154Gly)

Gene: APC (APC regulator of Wnt signaling pathway; plus strand). Cytogenetic location: 5q22.2.
Variant type: single nucleotide variant.
Coding change: c.461A>G on transcript NM_000038.6 (MANE Select); coding-DNA position 461, A replaced by G.
Protein change: p.Glu154Gly; replaces glutamic acid 154 with glycine.
Molecular consequence: missense variant. On other transcripts: 5 prime UTR variant (1).
Genome position (GRCh38, 1-based): chr5:112,775,667, A>G. VCF-style: chr5-112775667-A-G. GRCh37 (hg19) VCF-style: chr5-112111364-A-G.
Other names: c.461A>G, p.Glu154Gly (NM_001127510.3, NM_001354895.2, NM_001354896.2 and 2 more transcripts); c.491A>G, p.Glu164Gly (NM_001127511.3, NM_001354897.2, NM_001354902.2); c.386A>G, p.Glu129Gly (NM_001354898.2, NM_001354904.2); c.284A>G, p.Glu95Gly (NM_001354900.2, NM_001354901.2, NM_001354905.2); c.-575A>G (NM_001354906.2); short protein forms E154G, E164G, E129G, E95G.
Identifiers: ClinVar variation 575150 (VCV000575150.14), dbSNP rs1561477912, ClinGen allele CA16022327.

ClinVar aggregate classification (germline): Uncertain significance. Review status: criteria provided, multiple submitters, no conflicts (2 of 4 stars). 3 submissions from 3 submitters: Uncertain significance (3). Last evaluated 2024-11-17.

Conditions:
Hereditary cancer-predisposing syndrome. Also called: Hereditary Cancer Syndrome; Tumor predisposition; Neoplastic Syndromes, Hereditary; Hereditary neoplastic syndrome. Identifiers: Orphanet 140162, MedGen C0027672, MeSH D009386, MONDO:0015356.
Desmoid disease, hereditary (DESMD). Also called: FIBROMATOSIS, FAMILIAL INFILTRATIVE. Identifiers: Orphanet 873, MedGen C1851124, OMIM 135290. Disease mechanism: loss of function.
Familial adenomatous polyposis 1 (FAP1). Also called: FAMILIAL ADENOMATOUS POLYPOSIS 1, ATTENUATED; POLYPOSIS, ADENOMATOUS INTESTINAL. Identifiers: MedGen C2713442, MONDO:0021056, OMIM 175100. Disease mechanism: loss of function.
Gastric cancer. Also called: Malignant tumor of stomach; Stomach cancer. Identifiers: MedGen C0024623, MeSH D013274, MONDO:0001056, OMIM 613659, HP:0012126.
Colorectal cancer. Also called: Colorectal cancer, somatic; Malignant Colorectal Neoplasm. Identifiers: MedGen C0346629, MONDO:0005575, OMIM 114500.
Gastric adenocarcinoma and proximal polyposis of the stomach (GAPPS). Also called: Polyposis, gastric, Dos Santos and de Magalhaes 1980; POLYPOSIS, GASTRIC; Gastric Adenocarcinoma and Proximal Polyposis of the Stomach (GAPPS). Identifiers: Orphanet 314022, MedGen C4749917, MONDO:0017790, OMIM 619182.
Hepatocellular carcinoma (HCC). Also called: Primary carcinoma of liver; HEPATOMA; LIVER CELL CARCINOMA. Identifiers: HP:0002899, Orphanet 88673, MedGen C2239176, MONDO:0007256, OMIM 114550.

Submissions (3):

Ambry Genetics
Classification: Uncertain significance for Hereditary cancer-predisposing syndrome. Last evaluated: 2024-11-17. Review status: criteria provided, single submitter. Criteria: Ambry Variant Classification Scheme 2023. Collection method: clinical testing. Allele origin: germline.
Comment: The p.E154G variant (also known as c.461A>G), located in coding exon 4 of the APC gene, results from an A to G substitution at nucleotide position 461. The glutamic acid at codon 154 is replaced by glycine, an amino acid with similar properties. This amino acid position is conserved. In addition, in silico predictors for this gene do not accurately predict pathogenicity. Based on the available evidence, the clinical significance of this variant remains unclear.

Fulgent Genetics
Classification: Uncertain significance for Colorectal cancer; Hepatocellular carcinoma; Desmoid disease, hereditary; Familial adenomatous polyposis 1; Gastric cancer; Gastric adenocarcinoma and proximal polyposis of the stomach. Last evaluated: 2024-03-13. Review status: criteria provided, single submitter. Criteria: ACMG Guidelines, 2015. Collection method: clinical testing. Allele origin: germline.

Labcorp Genetics (formerly Invitae), Labcorp
Classification: Uncertain significance for Familial adenomatous polyposis 1. Last evaluated: 2023-03-02. Review status: criteria provided, single submitter. Criteria: Invitae Variant Classification Sherloc (09022015). Collection method: clinical testing. Allele origin: germline.
Comment: This sequence change replaces glutamic acid, which is acidic and polar, with glycine, which is neutral and non-polar, at codon 154 of the APC protein (p.Glu154Gly). This variant is not present in population databases (gnomAD no frequency). This variant has not been reported in the literature in individuals affected with APC-related conditions. ClinVar contains an entry for this variant (Variation ID: 575150). Advanced modeling of protein sequence and biophysical properties (such as structural, functional, and spatial information, amino acid conservation, physicochemical variation, residue mobility, and thermodynamic stability) performed at Invitae indicates that this missense variant is not expected to disrupt APC protein function. In summary, the available evidence is currently insufficient to determine the role of this variant in disease. Therefore, it has been classified as a Variant of Uncertain Significance.